The following is an entry in ClinVar:

ClinVar aggregate classification (germline): Likely pathogenic (1 of 4 stars; one submission).

Conditions:
Developmental and epileptic encephalopathy 94 (DEE94). Also called: Epileptic encephalopathy, childhood-onset; CHD2-Related Neurodevelopmental Disorders. Identifiers: Orphanet 1942, Orphanet 2382, MedGen C3809278, MONDO:0014150, OMIM 615369.

Allele frequency attached by ClinVar (database versions not stated): ExAC 0.00001.

Submission:

Labcorp Genetics (formerly Invitae), Labcorp
Classification: Likely pathogenic for Developmental and epileptic encephalopathy 94. Last evaluated: 2023-03-03. Review status: criteria provided, single submitter. Criteria: Invitae Variant Classification Sherloc (09022015). Collection method: clinical testing. Allele origin: germline.
Comment: In summary, the currently available evidence indicates that the variant is pathogenic, but additional data are needed to prove that conclusively. Therefore, this variant has been classified as Likely Pathogenic. Algorithms developed to predict the effect of sequence changes on RNA splicing suggest that this variant may disrupt the consensus splice site. This variant has not been reported in the literature in individuals affected with CHD2-related conditions. This variant is not present in population databases (gnomAD no frequency). This sequence change affects an acceptor splice site in intron 31 of the CHD2 gene. It is expected to disrupt RNA splicing. Variants that disrupt the donor or acceptor splice site typically lead to a loss of protein function (PMID: 16199547), and loss-of-function variants in CHD2 are known to be pathogenic (PMID: 23708187, 24207121).

Literature cited by the submitters: PubMed 16199547; PubMed 23708187; PubMed 24207121.

NM_001271.4(CHD2):c.4009-2A>G

Gene: CHD2 (chromodomain helicase DNA binding protein 2; plus strand). Cytogenetic location: 15q26.1.
Variant type: single nucleotide variant.
Coding change: c.4009-2A>G on transcript NM_001271.4 (MANE Select); the canonical splice acceptor site of the intron before coding-DNA position 4009, A replaced by G.
Molecular consequence: splice acceptor variant.
Genome position (GRCh38, 1-based): chr15:93,000,510, A>G. VCF-style: chr15-93000510-A-G. GRCh37 (hg19) VCF-style: chr15-93543740-A-G.
Identifiers: ClinVar variation 2985929 (VCV002985929.3), dbSNP rs770408707, ClinGen allele CA7748353.
Genomic context (GRCh38, chr15:93,000,510, plus strand): 5'-TTTGGTTATGCTTTTGAGTGTCTTGATTTGTATTTTAATCATCATTTTCTCTCCTTTTCC[A>G]GGCCAAATTAAAGAAGCGGAAGCCTCGGGTAAAGAAGGAAAACAAAGTGCCCAGGCTGAA-3'